The following is an entry in ClinVar:

ClinVar aggregate classification (germline): Likely benign (1 of 4 stars; one submission).

gnomAD v4.1: 11 of 1,612,302 alleles (0.00068%); highest among the groups gnomAD compares: African/African-American, 0.0067%; no homozygotes.

Submission:

CeGaT Center for Human Genetics Tuebingen
Classification: Likely benign. Last evaluated: 2026-08-01. Review status: criteria provided, single submitter. Criteria: CeGaT Center For Human Genetics Tuebingen Variant Classification Criteria Version 2. Collection method: clinical testing. Allele origin: germline. Affected: yes. Observed: 1 variant allele.
Comment: ROS1: BP4, BP7

NM_001378902.1(ROS1):c.486T>C (p.Tyr162=)

Gene: ROS1 (ROS proto-oncogene 1, receptor tyrosine kinase; minus strand). Cytogenetic location: 6q22.1.
Variant type: single nucleotide variant.
Coding change: c.486T>C on transcript NM_001378902.1 (MANE Select); coding-DNA position 486, T replaced by C.
Protein change: p.Tyr162=; no amino-acid change (tyrosine 162 retained).
Molecular consequence: synonymous variant.
Genome position (GRCh38, 1-based): chr6:117,403,257, A>G on the plus strand (T>C on the coding strand, the complement: ROS1 is on the minus strand). VCF-style: chr6-117403257-A-G. GRCh37 (hg19) VCF-style: chr6-117724420-A-G.
Other names: c.486T>C, p.Tyr162= (NM_001378891.1); c.459T>C, p.Tyr153= (NM_002944.3).
Identifiers: ClinVar variation 5039764 (VCV005039764.1).
Genomic context (GRCh38, chr6:117,403,257, plus strand): 5'-TGTGAAGATCCAAACCACTCGGAAAATGTACTCAGTGAAGGGGTGCAGGGGCTTGACCAC[A>G]TAGGACGGTCTGGACACAGTCTAGATCAAGGAGTGATCAATCATCAGCATTATAGAATCA-3'
Protein context (NP_001365831.1, residues 152-172): TYTKTVSRPS[Tyr162=]VVKPLHPFTE